The following is an entry in ClinVar:

ClinVar aggregate classification (germline): Uncertain significance. Review status: criteria provided, multiple submitters, no conflicts (2 of 4 stars). 2 submissions from 2 submitters: Uncertain significance (2). Last evaluated 2023-10-16.

Conditions:
Van Maldergem syndrome 2 (VMLDS2). Identifiers: Orphanet 314679, MedGen C3809875, MONDO:0014242, OMIM 615546.
Hennekam lymphangiectasia-lymphedema syndrome 2 (HKLLS2). Identifiers: Orphanet 2136, MedGen C4014939, MONDO:0014454, OMIM 616006.

gnomAD v4.1: 3 of 1,614,126 alleles (0.00019%); highest among the groups gnomAD compares: Non-Finnish European, 0.00025%; no homozygotes.

Submissions (2):

Labcorp Genetics (formerly Invitae), Labcorp
Classification: Uncertain significance. Last evaluated: 2023-10-16. Review status: criteria provided, single submitter. Criteria: Invitae Variant Classification Sherloc (09022015). Collection method: clinical testing. Allele origin: germline.
Comment: This sequence change replaces tryptophan, which is neutral and slightly polar, with glycine, which is neutral and non-polar, at codon 3171 of the FAT4 protein (p.Trp3171Gly). This variant is not present in population databases (gnomAD no frequency). This variant has not been reported in the literature in individuals affected with FAT4-related conditions. ClinVar contains an entry for this variant (Variation ID: 1911607). Advanced modeling of protein sequence and biophysical properties (such as structural, functional, and spatial information, amino acid conservation, physicochemical variation, residue mobility, and thermodynamic stability) performed at Invitae indicates that this missense variant is not expected to disrupt FAT4 protein function. In summary, the available evidence is currently insufficient to determine the role of this variant in disease. Therefore, it has been classified as a Variant of Uncertain Significance.

Molecular Genetics Lab, CHRU Brest
Classification: Uncertain significance for Hennekam lymphangiectasia-lymphedema syndrome 2; Van Maldergem syndrome 2. Review status: criteria provided, single submitter. Criteria: ACMG Guidelines, 2015. Collection method: clinical testing. Allele origin: inherited. Affected: yes.

NM_001291303.3(FAT4):c.9517T>G (p.Trp3173Gly)

Gene: FAT4 (FAT atypical cadherin 4; plus strand). Cytogenetic location: 4q28.1.
Variant type: single nucleotide variant.
Coding change: c.9517T>G on transcript NM_001291303.3 (MANE Select); coding-DNA position 9517, T replaced by G.
Protein change: p.Trp3173Gly; replaces tryptophan 3173 with glycine.
Molecular consequence: missense variant.
Genome position (GRCh38, 1-based): chr4:125,450,527, T>G. VCF-style: chr4-125450527-T-G. GRCh37 (hg19) VCF-style: chr4-126371682-T-G.
Other names: c.9517T>G, p.Trp3173Gly (NM_001291285.3); c.9511T>G, p.Trp3171Gly (NM_024582.6); c.9511T>G (NM_024582.4); short protein forms W3173G, W3171G.
Identifiers: ClinVar variation 1911607 (VCV001911607.6), dbSNP rs1304282640, ClinGen allele CA358152398.